The following is an entry in ClinVar:

ClinVar aggregate classification (germline): Likely benign. Review status: criteria provided, multiple submitters, no conflicts (2 of 4 stars). 2 submissions from 2 submitters: Likely benign (2). Last evaluated 2025-05-27.

Conditions:
Arrhythmogenic cardiomyopathy with wooly hair and keratoderma. Also called: Carvajal syndrome; Dilated cardiomyopathy with woolly hair and keratoderma; Arrhythmogenic cardiomyopathy with woolly hair and keratoderma; PALMOPLANTAR KERATODERMA WITH LEFT VENTRICULAR CARDIOMYOPATHY AND WOOLLY HAIR. Identifiers: Orphanet 65282, MedGen C1854063, MONDO:0011581, OMIM 605676.
Arrhythmogenic right ventricular dysplasia 8 (ARVD8). Also called: Arrhythmogenic Right Ventricular Dysplasia/Cardiomyopathy 8; ARRHYTHMOGENIC RIGHT VENTRICULAR DYSPLASIA, FAMILIAL, 8; ARRHYTHMOGENIC RIGHT VENTRICULAR CARDIOMYOPATHY 8. Identifiers: MedGen C1843896, MONDO:0011831, OMIM 607450.

Submissions (2):

Labcorp Genetics (formerly Invitae), Labcorp
Classification: Likely benign for Arrhythmogenic cardiomyopathy with wooly hair and keratoderma; Arrhythmogenic right ventricular dysplasia 8. Last evaluated: 2025-05-27. Review status: criteria provided, single submitter. Criteria: Invitae Variant Classification Sherloc (09022015). Collection method: clinical testing. Allele origin: germline.

All of Us Research Program, National Institutes of Health
Classification: Likely benign for Arrhythmogenic cardiomyopathy with wooly hair and keratoderma. Last evaluated: 2023-08-08. Review status: criteria provided, single submitter. Criteria: ACMG Guidelines, 2015. Collection method: clinical testing. Allele origin: germline. Inheritance: Autosomal dominant inheritance. Observed: 1 variant allele, 1 heterozygote.
Comment: This study involves interpretation of variants in research participants for the purpose of population health screening. Participant phenotype was not available at the time of variant classification. Additional details can be found in publication PMID: 35346344, PMCID: PMC8962531

NM_004415.4(DSP):c.3957C>T (p.Thr1319=)

Gene: DSP (desmoplakin; plus strand). Cytogenetic location: 6p24.3.
Variant type: single nucleotide variant.
Coding change: c.3957C>T on transcript NM_004415.4 (MANE Select); coding-DNA position 3957, C replaced by T.
Protein change: p.Thr1319=; no amino-acid change (threonine 1319 retained).
Molecular consequence: synonymous variant. On other transcripts: intron variant (1).
Genome position (GRCh38, 1-based): chr6:7,580,147, C>T. VCF-style: chr6-7580147-C-T. GRCh37 (hg19) VCF-style: chr6-7580380-C-T.
Other names: c.3957C>T, p.Thr1319= (NM_001319034.2); c.3582+375C>T (NM_001008844.3).
Identifiers: ClinVar variation 1570297 (VCV001570297.9), dbSNP rs2113693020, ClinGen allele CA448714511.